The following is an entry in ClinVar:

NM_003620.4(PPM1D):c.1495G>A (p.Val499Met)

Gene: PPM1D (protein phosphatase, Mg2+/Mn2+ dependent 1D; plus strand). Cytogenetic location: 17q23.2.
Variant type: single nucleotide variant.
Coding change: c.1495G>A on transcript NM_003620.4 (MANE Select); coding-DNA position 1495, G replaced by A.
Protein change: p.Val499Met; replaces valine 499 with methionine.
Molecular consequence: missense variant.
Genome position (GRCh38, 1-based): chr17:60,663,229, G>A. VCF-style: chr17-60663229-G-A. GRCh37 (hg19) VCF-style: chr17-58740590-G-A.
Other names: short protein forms V499M.
Identifiers: ClinVar variation 1957341 (VCV001957341.5), dbSNP rs542670520, ClinGen allele CA292212277.

ClinVar aggregate classification (germline): Uncertain significance (1 of 4 stars; one submission).

Allele frequency attached by ClinVar (database versions not stated): gnomAD exomes below 0.00001; TOPMed 0.00005; gnomAD 0.00007; 1000 Genomes Project 30x 0.00016; 1000 Genomes Project 0.00020.
gnomAD v4.1: 17 of 1,614,134 alleles (0.0011%); highest among the groups gnomAD compares: African/African-American, 0.023%; no homozygotes.

Submission:

Labcorp Genetics (formerly Invitae), Labcorp
Classification: Uncertain significance. Last evaluated: 2025-01-28. Review status: criteria provided, single submitter. Criteria: Invitae Variant Classification Sherloc (09022015). Collection method: clinical testing. Allele origin: germline.
Comment: This sequence change replaces valine, which is neutral and non-polar, with methionine, which is neutral and non-polar, at codon 499 of the PPM1D protein (p.Val499Met). This variant is present in population databases (rs542670520, gnomAD 0.01%). This variant has not been reported in the literature in individuals affected with PPM1D-related conditions. ClinVar contains an entry for this variant (Variation ID: 1957341). An algorithm developed to predict the effect of missense changes on protein structure and function outputs the following: PolyPhen-2: "Benign". The methionine amino acid residue is found in multiple mammalian species, which suggests that this missense change does not adversely affect protein function. In summary, the available evidence is currently insufficient to determine the role of this variant in disease. Therefore, it has been classified as a Variant of Uncertain Significance.